The following is an entry in ClinVar:

ClinVar aggregate classification (germline): Uncertain significance. Review status: criteria provided, multiple submitters, no conflicts (2 of 4 stars). 3 submissions from 3 submitters: Uncertain significance (2). 1 of the submissions does not count toward it. Last evaluated 2026-08-19.

Conditions:
3-methylcrotonyl-CoA carboxylase 2 deficiency. Also called: METHYLCROTONYLGLYCINURIA, TYPE II; 3 alpha methylcrotonyl-CoA carboxylase 2 deficiency; 3 alpha methylcrotonylglycinuria 2; MCC 2 deficiency; Methylcrotonylglycinuria type 2. Identifiers: Orphanet 6, MedGen C1859499, MONDO:0008862, OMIM 210210.

Allele frequency attached by ClinVar (database versions not stated): gnomAD below 0.00001 and 0.00001; gnomAD exomes 0.00001 and 0.00002; ExAC 0.00003.
gnomAD v4.1: 13 of 1,614,102 alleles (0.00081%); highest among the groups gnomAD compares: South Asian, 0.013%; no homozygotes.

Submissions (3):

Myriad Genetics, Inc.
Classification: Uncertain significance for 3-methylcrotonyl-CoA carboxylase 2 deficiency. Last evaluated: 2026-08-19. Review status: criteria provided, single submitter. Criteria: Myriad Autosomal Dominant, Autosomal Recessive and X-Linked Classification Criteria (2023). Collection method: clinical testing. Allele origin: unknown.
Comment: NM_022132.4(MCCC2):c.1273A>G(M425V) is a missense variant classified as a variant of uncertain significance in the context of 3-methylcrotonyl-CoA carboxylase deficiency, MCCC2-related. M425V has not been observed in cases with relevant disease. Relevant functional assessments of this variant are not available in the literature. M425V has been observed in referenced population frequency databases. In summary, there is insufficient evidence to classify NM_022132.4(MCCC2):c.1273A>G(M425V) as pathogenic or benign. Please note: this variant was assessed in the context of healthy population screening.

Labcorp Genetics (formerly Invitae), Labcorp
Classification: Uncertain significance for 3-methylcrotonyl-CoA carboxylase 2 deficiency. Last evaluated: 2021-05-03. Review status: criteria provided, single submitter. Criteria: Invitae Variant Classification Sherloc (09022015). Collection method: clinical testing. Allele origin: germline.
Comment: In summary, this variant is a rare missense change with uncertain impact on protein function. It has been classified as a Variant of Uncertain Significance. Algorithms developed to predict the effect of sequence changes on mRNA splicing suggest that this variant may alter mRNA splicing, but this prediction has not been confirmed by published transcriptional studies. Algorithms developed to predict the effect of missense changes on protein structure and function do not agree on the potential impact of this missense change (SIFT: "Deleterious"; PolyPhen-2: "Possibly Damaging"; Align-GVGD: "Class C0"). This variant is present in population databases (rs766591766, ExAC 0.02%) but has not been reported in the literature in individuals with a MCCC2-related disease. This sequence change replaces methionine with valine at codon 425 of the MCCC2 protein (p.Met425Val). The methionine residue is highly conserved and there is a small physicochemical difference between methionine and valine.

Natera, Inc.
Classification: Uncertain significance for 3-methylcrotonyl-CoA carboxylase 2 deficiency. Last evaluated: 2019-11-11. Review status: no assertion criteria provided. Collection method: clinical testing. Allele origin: germline. Not counted in ClinVar's aggregate classification.

NM_022132.5(MCCC2):c.1273A>G (p.Met425Val)

Gene: MCCC2 (methylcrotonyl-CoA carboxylase subunit 2; plus strand). Cytogenetic location: 5q13.2.
Variant type: single nucleotide variant.
Coding change: c.1273A>G on transcript NM_022132.5 (MANE Select); coding-DNA position 1273, A replaced by G.
Protein change: p.Met425Val; replaces methionine 425 with valine.
Molecular consequence: missense variant.
Genome position (GRCh38, 1-based): chr5:71,649,153, A>G. VCF-style: chr5-71649153-A-G. GRCh37 (hg19) VCF-style: chr5-70944980-A-G.
Other names: c.1159A>G, p.Met387Val (NM_001363147.1); short protein forms M425V, M387V.
Identifiers: ClinVar variation 467802 (VCV000467802.13), dbSNP rs766591766, ClinGen allele CA3298096.
Genomic context (GRCh38, chr5:71,649,153, plus strand): 5'-TCAGGATTTATGGTTGGTAGAGAGTATGAAGCTGAAGGAATTGCCAAGGATGGTGCCAAG[A>G]TGGTGGCCGCTGTGGCCTGTGCCCAAGTGCCTAAGATAACCCTCATCATTGGGGGCTCCT-3'
Protein context (NP_071415.1, residues 415-435): AEGIAKDGAK[Met425Val]VAAVACAQVP